The following is an entry in ClinVar:

NM_001375462.1(LPP):c.1095G>A (p.Ala365=)

Gene: LPP (LIM domain containing preferred translocation partner in lipoma; plus strand). Cytogenetic location: 3q28.
Variant type: single nucleotide variant.
Coding change: c.1095G>A on transcript NM_001375462.1 (MANE Select); coding-DNA position 1095, G replaced by A.
Protein change: p.Ala365=; no amino-acid change (alanine 365 retained).
Molecular consequence: synonymous variant. On other transcripts: non-coding transcript variant (1), intron variant (1).
Genome position (GRCh38, 1-based): chr3:188,609,826, G>A. VCF-style: chr3-188609826-G-A. GRCh37 (hg19) VCF-style: chr3-188327614-G-A.
Other names: c.1095G>A, p.Ala365= (NM_001167671.3, NM_001375455.1, NM_001375456.1 and 9 more transcripts); c.672+423G>A (NM_001167672.3).
Identifiers: ClinVar variation 756191 (VCV000756191.5), dbSNP rs139912286, ClinGen allele CA2751376.

ClinVar aggregate classification (germline): Likely benign. Review status: criteria provided, single submitter (1 of 4 stars). 2 submissions from 2 submitters: Likely benign (1). 1 of the submissions does not count toward it. Last evaluated 2018-08-01.

Conditions:
LPP-related disorder. Also called: LPP-related condition.

Allele frequency attached by ClinVar (database versions not stated): gnomAD exomes 0.00017 and 0.00019; ExAC 0.00019; gnomAD 0.00023 and 0.00029; TOPMed 0.00032; ESP Exome Variant Server 0.00047.
gnomAD v4.1: 291 of 1,610,980 alleles (0.018%); highest among the groups gnomAD compares: African/African-American, 0.056%; no homozygotes.

Submissions (2):

Labcorp Genetics (formerly Invitae), Labcorp
Classification: Likely benign. Last evaluated: 2018-08-01. Review status: criteria provided, single submitter. Criteria: Invitae Variant Classification Sherloc (09022015). Collection method: clinical testing. Allele origin: germline.

PreventionGenetics, part of Exact Sciences
Classification: Likely benign for LPP-related condition. Last evaluated: 2019-08-07. Review status: no assertion criteria provided. Collection method: clinical testing. Allele origin: germline. Not counted in ClinVar's aggregate classification.
Comment: This variant is classified as likely benign based on ACMG/AMP sequence variant interpretation guidelines (Richards et al. 2015 PMID: 25741868, with internal and published modifications).